The following is an entry in ClinVar:

ClinVar aggregate classification (germline): Uncertain significance (1 of 4 stars; one submission).

Conditions:
Mulibrey nanism syndrome. Also called: MUSCLE-LIVER-BRAIN-EYE NANISM; PERHEENTUPA SYNDROME; PERICARDIAL CONSTRICTION AND GROWTH FAILURE. Identifiers: Orphanet 2576, MedGen C0524582, MONDO:0009664, OMIM 253250.

Submission:

St. Jude Molecular Pathology, St. Jude Children's Research Hospital
Classification: Uncertain significance for Mulibrey nanism syndrome. Last evaluated: 2026-10-01. Review status: criteria provided, single submitter. Criteria: St. Jude Assertion Criteria 2020. Collection method: clinical testing. Allele origin: germline.
Comment: The TRIM37 c.34G>A p.(Val12Ile) missense change is absent in gnomAD v2.1.1. The in silico tool REVEL predicts a benign effect on protein function, but to our knowledge this prediction has not been confirmed by functional studies. To our knowledge, this variant has not been re ported in individuals with Mulibrey nanism. In summary, the evidence currently available is insufficient to determine the clinical significance of this variant. It has therefore been classified as of uncertain significance.

NM_015294.6(TRIM37):c.34G>A (p.Val12Ile)

Gene: TRIM37 (tripartite motif containing 37; minus strand). Cytogenetic location: 17q22.
Variant type: single nucleotide variant.
Coding change: c.34G>A on transcript NM_015294.6 (MANE Select); coding-DNA position 34, G replaced by A.
Protein change: p.Val12Ile; replaces valine 12 with isoleucine.
Molecular consequence: missense variant. On other transcripts: 5 prime UTR variant (2), non-coding transcript variant (1), intron variant (3).
Genome position (GRCh38, 1-based): chr17:59,104,382, C>T on the plus strand (G>A on the coding strand, the complement: TRIM37 is on the minus strand). VCF-style: chr17-59104382-C-T. GRCh37 (hg19) VCF-style: chr17-57181743-C-T.
Other names: c.34G>A, p.Val12Ile (NM_001005207.5, NM_001320988.3, NM_001320989.3 and 2 more transcripts); c.-409G>A (NM_001320990.3); c.-719G>A (NM_001353083.2); c.-252+2059G>A (NM_001353085.2); c.21+2059G>A (NM_001320987.3, NM_001353082.2); short protein forms V12I.
Identifiers: ClinVar variation 5038381 (VCV005038381.1).